The following is an entry in ClinVar:

ClinVar aggregate classification (germline): Pathogenic (1 of 4 stars; one submission).

Conditions:
Kabuki syndrome. Also called: NIIKAWA-KUROKI SYNDROME; Kabuki make-up syndrome. Identifiers: Orphanet 2322, MedGen C0796004, MONDO:0016512.

Submission:

Labcorp Genetics (formerly Invitae), Labcorp
Classification: Pathogenic for Kabuki syndrome. Last evaluated: 2024-07-01. Review status: criteria provided, single submitter. Criteria: Invitae Variant Classification Sherloc (09022015). Collection method: clinical testing. Allele origin: germline.
Comment: This sequence change creates a premature translational stop signal (p.Gln3274*) in the KMT2D gene. It is expected to result in an absent or disrupted protein product. Loss-of-function variants in KMT2D are known to be pathogenic (PMID: 22126750). This variant is not present in population databases (gnomAD no frequency). This premature translational stop signal has been observed in individual(s) with Kabuki syndrome (PMID: 27302555). For these reasons, this variant has been classified as Pathogenic.

Literature cited by the submitters: PubMed 22126750; PubMed 27302555.

NM_003482.4(KMT2D):c.9820C>T (p.Gln3274Ter)

Gene: KMT2D (lysine methyltransferase 2D; minus strand). Cytogenetic location: 12q13.12.
Variant type: single nucleotide variant.
Coding change: c.9820C>T on transcript NM_003482.4 (MANE Select); coding-DNA position 9820, C replaced by T.
Protein change: p.Gln3274Ter; replaces glutamine 3274 with a stop codon.
Molecular consequence: nonsense.
Genome position (GRCh38, 1-based): chr12:49,037,536, G>A on the plus strand (C>T on the coding strand, the complement: KMT2D is on the minus strand). VCF-style: chr12-49037536-G-A. GRCh37 (hg19) VCF-style: chr12-49431319-G-A.
Other names: short protein forms Q3274*.
Identifiers: ClinVar variation 3721140 (VCV003721140.2).
Genomic context (GRCh38, chr12:49,037,536, plus strand): 5'-CCTGGGCAGGGCCTGGTGCAGACAGTAGGGAATGCTGCTGCTGCTGTTGCTGCTGCTGCT[G>A]GGCAGGCTGCAACTGTGCTGAAAGCTGCTGCTTCTTCTGCAGCTCCTTCTTCTCATGCTC-3'